The following is an entry in ClinVar:

NM_000179.3(MSH6):c.31T>G (p.Phe11Val)

Gene: MSH6 (mutS homolog 6; plus strand). Cytogenetic location: 2p16.3.
Variant type: single nucleotide variant.
Coding change: c.31T>G on transcript NM_000179.3 (MANE Select); coding-DNA position 31, T replaced by G.
Protein change: p.Phe11Val; replaces phenylalanine 11 with valine.
Molecular consequence: missense variant. On other transcripts: 5 prime UTR variant (1).
Genome position (GRCh38, 1-based): chr2:47,783,264, T>G. VCF-style: chr2-47783264-T-G. GRCh37 (hg19) VCF-style: chr2-48010403-T-G.
Other names: c.31T>G, p.Phe11Val (NM_001281492.2, NM_001406795.1, NM_001406796.1 and 9 more transcripts); c.-706T>G (NM_001281493.2, NM_001406811.1); c.-298T>G (NM_001406799.1); c.-25T>G (NM_001406804.1); c.-898T>G (NM_001406807.1); c.-553T>G (NM_001406812.1); c.-964T>G (NM_001406814.1); c.-509T>G (NM_001406816.1); short protein forms F11V.
Identifiers: ClinVar variation 1728803 (VCV001728803.2), dbSNP rs2103932161, ClinGen allele CA346734519.

ClinVar aggregate classification (germline): Uncertain significance (1 of 4 stars; one submission).

Conditions:
Hereditary cancer-predisposing syndrome. Also called: Tumor predisposition; Neoplastic Syndromes, Hereditary; Hereditary Cancer Syndrome; Hereditary neoplastic syndrome. Identifiers: Orphanet 140162, MedGen C0027672, MeSH D009386, MONDO:0015356.

Submission:

Ambry Genetics
Classification: Uncertain significance for Hereditary cancer-predisposing syndrome. Last evaluated: 2022-08-18. Review status: criteria provided, single submitter. Criteria: Ambry Variant Classification Scheme 2023. Collection method: clinical testing. Allele origin: germline.
Comment: The p.F11V variant (also known as c.31T>G), located in coding exon 1 of the MSH6 gene, results from a T to G substitution at nucleotide position 31. The phenylalanine at codon 11 is replaced by valine, an amino acid with highly similar properties. This amino acid position is conserved. In addition, the in silico prediction for this alteration is inconclusive. Since supporting evidence is limited at this time, the clinical significance of this alteration remains unclear.